The following is an entry in ClinVar:

NM_000283.4(PDE6B):c.223G>A (p.Val75Met)

Gene: PDE6B (phosphodiesterase 6B; plus strand). Cytogenetic location: 4p16.3.
Variant type: single nucleotide variant.
Coding change: c.223G>A on transcript NM_000283.4 (MANE Select); coding-DNA position 223, G replaced by A.
Protein change: p.Val75Met; replaces valine 75 with methionine.
Molecular consequence: missense variant.
Genome position (GRCh38, 1-based): chr4:625,849, G>A. VCF-style: chr4-625849-G-A. GRCh37 (hg19) VCF-style: chr4-619638-G-A.
Other names: c.223G>A, p.Val75Met (NM_001145291.2); c.223G>A (NM_000283.3); short protein forms V75M.
Identifiers: ClinVar variation 1350306 (VCV001350306.7), dbSNP rs376238566, ClinGen allele CA2793879.

ClinVar aggregate classification (germline): Uncertain significance. Review status: criteria provided, multiple submitters, no conflicts (2 of 4 stars). 2 submissions from 2 submitters: Uncertain significance (2). Last evaluated 2025-03-17.

Conditions:
PDE6B-related disorder. Also called: PDE6B-related disease; PDE6B-related condition; PDE6B-related disorders.

Allele frequency attached by ClinVar (database versions not stated): gnomAD 0.00002; gnomAD exomes 0.00003; TOPMed 0.00003; ExAC 0.00006; ESP Exome Variant Server 0.00008; 1000 Genomes Project 0.00020; 1000 Genomes Project 30x 0.00031.
gnomAD v4.1: 43 of 1,612,408 alleles (0.0027%); highest among the groups gnomAD compares: South Asian, 0.019%; no homozygotes.

Submissions (2):

PreventionGenetics, part of Exact Sciences
Classification: Uncertain significance for PDE6B-related condition. Last evaluated: 2025-03-17. Review status: criteria provided, single submitter. Criteria: ACMG Guidelines, 2015. Collection method: clinical testing. Allele origin: germline.
Comment: The PDE6B c.223G>A variant is predicted to result in the amino acid substitution p.Val75Met. To our knowledge, this variant has not been reported in the literature. This variant is present in 0.020% of alleles in individuals of South Asian descent in gnomAD. At this time, the clinical significance of this variant is uncertain due to the absence of conclusive functional and genetic evidence.

Labcorp Genetics (formerly Invitae), Labcorp
Classification: Uncertain significance. Last evaluated: 2024-11-05. Review status: criteria provided, single submitter. Criteria: Invitae Variant Classification Sherloc (09022015). Collection method: clinical testing. Allele origin: germline.
Comment: This sequence change replaces valine, which is neutral and non-polar, with methionine, which is neutral and non-polar, at codon 75 of the PDE6B protein (p.Val75Met). This variant is present in population databases (rs376238566, gnomAD 0.02%). This variant has not been reported in the literature in individuals affected with PDE6B-related conditions. ClinVar contains an entry for this variant (Variation ID: 1350306). Invitae Evidence Modeling of protein sequence and biophysical properties (such as structural, functional, and spatial information, amino acid conservation, physicochemical variation, residue mobility, and thermodynamic stability) indicates that this missense variant is not expected to disrupt PDE6B protein function with a negative predictive value of 80%. In summary, the available evidence is currently insufficient to determine the role of this variant in disease. Therefore, it has been classified as a Variant of Uncertain Significance.